The following is an entry in ClinVar:

NC_000023.10:g.(?_31854835)_(31854936_?)del

Gene: DMD (dystrophin; minus strand). Cytogenetic location: Xp21.1.
Variant type: Deletion.
Identifiers: ClinVar variation 1075223 (VCV001075223.1).

ClinVar aggregate classification (germline): Pathogenic (1 of 4 stars; one submission).

Conditions:
Duchenne muscular dystrophy (DMD). Also called: MUSCULAR DYSTROPHY, PSEUDOHYPERTROPHIC PROGRESSIVE, DUCHENNE TYPE; Duchenne Muscular Dystrophy (DMD). Identifiers: Orphanet 98896, MedGen C0013264, MONDO:0010679, OMIM 310200.

Submission:

Labcorp Genetics (formerly Invitae), Labcorp
Classification: Pathogenic for Duchenne muscular dystrophy. Last evaluated: 2020-10-29. Review status: criteria provided, single submitter. Criteria: Invitae Variant Classification Sherloc (09022015). Collection method: clinical testing. Allele origin: germline.
Comment: This variant is an in-frame deletion of the genomic region encompassing exon 49 of the DMD gene. It preserves the integrity of the reading frame. Similar deletions of exon 49 have been observed in individuals affected with DMD-related conditions (PMID: 9619643, 14977063, 27854212). Experimental studies and prediction algorithms are not available or were not evaluated, and the functional significance of this variant is currently unknown. For these reasons, this variant has been classified as Pathogenic.

Literature cited by the submitters: PubMed 9619643; PubMed 14977063; PubMed 27854212.